The following is an entry in ClinVar:

ClinVar aggregate classification (germline): Conflicting classifications of pathogenicity. Review status: criteria provided, conflicting classifications (1 of 4 stars). 4 submissions from 4 submitters: Pathogenic (2); Uncertain significance (2). Last evaluated 2026-05-27.

Conditions:
MLH3-related disorder. Also called: MLH3-related condition.
Colorectal cancer, hereditary nonpolyposis, type 7. Identifiers: Orphanet 144, MedGen C1858380, MONDO:0013725, OMIM 614385.

Submissions (4):

Ambry Genetics
Classification: Pathogenic. Last evaluated: 2026-05-27. Review status: criteria provided, single submitter. Criteria: Ambry Variant Classification Scheme 2023. Collection method: clinical testing. Allele origin: germline.
Comment: The c.3113dupA pathogenic mutation, located in coding exon 1 of the MLH3 gene, results from a duplication of A at nucleotide position 3113, causing a translational frameshift with a predicted alternate stop codon (p.N1038Kfs*35). This alteration is expected to result in loss of function by premature protein truncation or nonsense-mediated mRNA decay. As such, this alteration is interpreted as a disease-causing mutation.

Myriad Genetics, Inc.
Classification: Pathogenic for Colorectal cancer, hereditary nonpolyposis, type 7. Last evaluated: 2026-03-04. Review status: criteria provided, single submitter. Criteria: Myriad Autosomal Dominant, Autosomal Recessive and X-Linked Classification Criteria (2023). Collection method: clinical testing. Allele origin: unknown.
Comment: This variant is considered pathogenic. This variant creates a frameshift predicted to result in premature protein truncation.

PreventionGenetics, part of Exact Sciences
Classification: Uncertain significance for MLH3-related condition. Last evaluated: 2023-07-27. Review status: criteria provided, single submitter. Criteria: ACMG Guidelines, 2015. Collection method: clinical testing. Allele origin: germline.
Comment: The MLH3 c.3113dupA variant is predicted to result in a frameshift and premature protein termination (p.Asn1038Lysfs*35). To our knowledge, this variant has not been reported in the literature. This variant is reported in 0.0058% of alleles in individuals of Latino descent in gnomAD. At this time, the clinical significance of this variant is uncertain due to the absence of conclusive functional and genetic evidence.

Labcorp Genetics (formerly Invitae), Labcorp
Classification: Uncertain significance for Colorectal cancer, hereditary nonpolyposis, type 7. Last evaluated: 2023-07-10. Review status: criteria provided, single submitter. Criteria: Invitae Variant Classification Sherloc (09022015). Collection method: clinical testing. Allele origin: germline.
Comment: In summary, the available evidence is currently insufficient to determine the role of this variant in disease. Therefore, it has been classified as a Variant of Uncertain Significance. ClinVar contains an entry for this variant (Variation ID: 2497067). This variant has not been reported in the literature in individuals affected with MLH3-related conditions. This variant is present in population databases (rs750375406, gnomAD 0.006%). This sequence change creates a premature translational stop signal (p.Asn1038Lysfs*35) in the MLH3 gene. It is expected to result in an absent or disrupted protein product. However, the current clinical and genetic evidence is not sufficient to establish whether loss-of-function variants in MLH3 cause disease.

NM_001040108.2(MLH3):c.3113dup (p.Asn1038fs)

Gene: MLH3 (mutL homolog 3; minus strand). Cytogenetic location: 14q24.3.
Variant type: Duplication.
Coding change: c.3113dup on transcript NM_001040108.2 (MANE Select); coding-DNA position 3113, one base duplicated (A; older notation c.3113dupA).
Protein change: p.Asn1038fs; shifts the reading frame from asparagine 1038.
Molecular consequence: frameshift variant.
Genome position (GRCh38, 1-based): chr14:75,046,543, T duplicated on the plus strand (A on the coding strand, the reverse complement: MLH3 is on the minus strand); the first of 3 consecutive T bases (chr14:75,046,543-75,046,545); duplicating any one gives the same sequence. VCF-style (leftmost placement, unchanged base first): chr14-75046542-G-GT. GRCh37 (hg19) VCF-style: chr14-75513245-G-GT.
Other names: c.3113dup, p.Asn1038fs (NM_014381.3); c.3113dupA (NM_001040108.1); short protein forms N1038fs.
Identifiers: ClinVar variation 2497067 (VCV002497067.9), dbSNP rs750375406, ClinGen allele CA7275589.